The following is an entry in ClinVar:

NM_000277.3(PAH):c.1066-7C>A

Gene: PAH (phenylalanine hydroxylase; minus strand). Cytogenetic location: 12q23.2.
Variant type: single nucleotide variant.
Coding change: c.1066-7C>A on transcript NM_000277.3 (MANE Select); 7 bases into the intron before coding-DNA position 1066, C replaced by A.
Molecular consequence: intron variant.
Genome position (GRCh38, 1-based): chr12:102,843,786, G>T on the plus strand (C>A on the coding strand, the complement: PAH is on the minus strand). VCF-style: chr12-102843786-G-T. GRCh37 (hg19) VCF-style: chr12-103237564-G-T.
Other names: NM_000277.1:c.1066-7C>A; c.1066-7C>A (NM_001354304.2).
Identifiers: ClinVar variation 1327555 (VCV001327555.1), dbSNP rs1242756437, ClinGen allele CA16020927.

ClinVar aggregate classification (germline): Likely pathogenic (3 of 4 stars; one submission).

Conditions:
Phenylketonuria (PKU). Also called: Phenylketonuria (PKU); FOLLING DISEASE; OLIGOPHRENIA PHENYLPYRUVICA; Phenylketonurias. Identifiers: Orphanet 716, MedGen C0031485, MONDO:0009861, OMIM 261600. Disease mechanism: loss of function.

Allele frequency attached by ClinVar (database versions not stated): gnomAD 0.00001; gnomAD exomes below 0.00001.

Submission:

ClinGen PAH Variant Curation Expert Panel
Classification: Likely pathogenic for Phenylketonuria. Last evaluated: 2020-08-10. Review status: reviewed by expert panel. Criteria: ClinGen PAH ACMG Specifications v1. Collection method: curation. Allele origin: germline. Inheritance: Autosomal recessive inheritance.
Comment: The c.1066-7C>A variant in PAH has been reported in 3 individuals with PAH deficiency (BH4 deficiency excluded, PMID: 12655553, 21147011, 21307867). This variant has extremely low frequency in gnomAD (MAF=0.00001). This variant was detected in the homozygous state, with maternity and paternity confirmed (PMID: 12655553); and with pathogenic variant IVS11-2A>G (PMID: 21147011). Computational evidence is conflicting. In summary, this variant meets criteria to be classified as likely pathogenic for PAH. PAH-specific ACMG/AMP criteria applied: PP4_Moderate, PM2, PM3.

Literature cited by the submitters: PubMed 21147011; PubMed 12655553.